The following is an entry in ClinVar:

NM_001875.5(CPS1):c.3010C>T (p.Arg1004Cys)

Gene: CPS1 (carbamoyl-phosphate synthase 1; plus strand). Cytogenetic location: 2q34.
Variant type: single nucleotide variant.
Coding change: c.3010C>T on transcript NM_001875.5 (MANE Select); coding-DNA position 3010, C replaced by T.
Protein change: p.Arg1004Cys; replaces arginine 1004 with cysteine.
Molecular consequence: missense variant. On other transcripts: non-coding transcript variant (2).
Genome position (GRCh38, 1-based): chr2:210,642,534, C>T. VCF-style: chr2-210642534-C-T. GRCh37 (hg19) VCF-style: chr2-211507258-C-T.
Other names: c.3010C>T, p.Arg1004Cys (NM_001122633.3, NM_001369257.1); c.3043C>T, p.Arg1015Cys (NM_001369256.1); short protein forms R1004C, R1015C.
Identifiers: ClinVar variation 2141808 (VCV002141808.2), dbSNP rs368206146, ClinGen allele CA2086821.

ClinVar aggregate classification (germline): Uncertain significance. Review status: criteria provided, multiple submitters, no conflicts (2 of 4 stars). 2 submissions from 2 submitters: Uncertain significance (2). Last evaluated 2022-06-28.

Conditions:
Inborn genetic diseases. Identifiers: MedGen C0950123, MeSH D030342.
Congenital hyperammonemia, type I. Also called: CPS I DEFICIENCY; Carbamoyl-phosphate synthase I deficiency; Carbamoyl phosphate synthetase 1 deficiency; Hyperammonemia due to carbamoyl phosphate synthetase 1 deficiency; CPS 1 deficiency; Carbamyl phosphate synthetase (CPS) deficiency. Identifiers: Orphanet 147, MedGen C4082171, MONDO:0009376, OMIM 237300.

Allele frequency attached by ClinVar (database versions not stated): gnomAD 0.00001; ExAC 0.00002; gnomAD exomes 0.00002; TOPMed 0.00002; ESP Exome Variant Server 0.00008.
gnomAD v4.1: 34 of 1,613,810 alleles (0.0021%); highest among the groups gnomAD compares: Middle Eastern, 0.016%; no homozygotes.

Submissions (2):

Ambry Genetics
Classification: Uncertain significance for Inborn genetic diseases. Last evaluated: 2022-06-28. Review status: criteria provided, single submitter. Criteria: Ambry Variant Classification Scheme 2023. Collection method: clinical testing. Allele origin: germline.

Labcorp Genetics (formerly Invitae), Labcorp
Classification: Uncertain significance for Congenital hyperammonemia, type I. Last evaluated: 2022-05-18. Review status: criteria provided, single submitter. Criteria: Invitae Variant Classification Sherloc (09022015). Collection method: clinical testing. Allele origin: germline.
Comment: This sequence change replaces arginine, which is basic and polar, with cysteine, which is neutral and slightly polar, at codon 1004 of the CPS1 protein (p.Arg1004Cys). This variant is present in population databases (rs368206146, gnomAD 0.007%). This variant has not been reported in the literature in individuals affected with CPS1-related conditions. Algorithms developed to predict the effect of missense changes on protein structure and function are either unavailable or do not agree on the potential impact of this missense change (SIFT: "Deleterious"; PolyPhen-2: "Probably Damaging"; Align-GVGD: "Class C0"). In summary, the available evidence is currently insufficient to determine the role of this variant in disease. Therefore, it has been classified as a Variant of Uncertain Significance.